The following is an entry in ClinVar:

ClinVar aggregate classification (germline): Likely benign (1 of 4 stars; one submission).

Allele frequency attached by ClinVar (database versions not stated): TOPMed 0.00002.
gnomAD v4.1: 1 of 1,253,036 alleles (0.00008%); highest among the groups gnomAD compares: Admixed American, 0.0042%; no homozygotes.

Submission:

GeneDx
Classification: Likely benign. Last evaluated: 2016-08-17. Review status: criteria provided, single submitter. Criteria: GeneDx Variant Classification (06012015). Collection method: clinical testing. Allele origin: germline. Affected: yes.
Comment: This variant is considered likely benign or benign based on one or more of the following criteria: it is a conservative change, it occurs at a poorly conserved position in the protein, it is predicted to be benign by multiple in silico algorithms, and/or has population frequency not consistent with disease.

NM_001943.5(DSG2):c.-16C>G

Genes: DSG2 (desmoglein 2; plus strand), LOC130062340 (ATAC-STARR-seq lymphoblastoid silent region 9384; plus strand). Cytogenetic location: 18q12.1.
Variant type: single nucleotide variant.
Coding change: c.-16C>G on transcript NM_001943.5 (MANE Select); 16 bases upstream of the start codon, C replaced by G.
Molecular consequence: 5 prime UTR variant.
Genome position (GRCh38, 1-based): chr18:31,498,236, C>G. VCF-style: chr18-31498236-C-G. GRCh37 (hg19) VCF-style: chr18-29078199-C-G.
Other names: c.-16C>G (LRG_397t1).
Identifiers: ClinVar variation 388620 (VCV000388620.1), dbSNP rs1057523171, ClinGen allele CA16607953.